The following is an entry in ClinVar:

NM_005932.4(MIPEP):c.1076dup (p.Tyr360fs)

Gene: MIPEP (mitochondrial intermediate peptidase; minus strand). Cytogenetic location: 13q12.12.
Variant type: Duplication.
Coding change: c.1076dup on transcript NM_005932.4 (MANE Select); coding-DNA position 1076, one base duplicated (C; older notation c.1076dupC).
Protein change: p.Tyr360fs; shifts the reading frame from tyrosine 360.
Molecular consequence: frameshift variant.
Genome position (GRCh38, 1-based): chr13:23,858,890, G duplicated on the plus strand (C on the coding strand, the reverse complement: MIPEP is on the minus strand); the first of 6 consecutive G bases (chr13:23,858,890-23,858,895); duplicating any one gives the same sequence. VCF-style (leftmost placement, unchanged base first): chr13-23858889-A-AG. GRCh37 (hg19) VCF-style: chr13-24433028-A-AG.
Other names: short protein forms Y360fs.
Identifiers: ClinVar variation 2973805 (VCV002973805.5), dbSNP rs746329051, ClinGen allele CA6913118.
Genomic context (GRCh38, chr13:23,858,889, plus strand): 5'-TTCCTGTACGGGTATTTCTTGAAAAACTTACCTTTCTGCACGAATCACACCACTGTAGTA[A>AG]GGGGGGTCCCAGGGCATTACTTCCTACAATGGAATAATTCACTGTTAAGGAAAGCTACTG-3'

ClinVar aggregate classification (germline): Conflicting classifications of pathogenicity. Review status: criteria provided, conflicting classifications (1 of 4 stars). 3 submissions from 3 submitters: Pathogenic (1); Likely pathogenic (1); Uncertain significance (1). Last evaluated 2026-08-06.

Conditions:
Lethal left ventricular non-compaction-seizures-hypotonia-cataract-developmental delay syndrome. Also called: Combined oxidative phosphorylation deficiency 31. Identifiers: Orphanet 478049, MedGen C4310661, MONDO:0014976, OMIM 617228.

Submissions (3):

OLLIN Analises Genomicas, OLLIN
Classification: Likely pathogenic for Lethal left ventricular non-compaction-seizures-hypotonia-cataract-developmental delay syndrome. Last evaluated: 2026-08-06. Review status: criteria provided, single submitter. Criteria: ACMG Guidelines 2015 PMID 25741868. Collection method: clinical testing. Allele origin: germline.
Comment: This frameshift variant, located in exon 10 (of 19), has been reported in ClinVar (accession VCV002973805.3) and in gnomAD with an allele frequency of 0.0012%. However, to our knowledge, it has not been reported in the scientific literature. This variant causes a frameshift and introduces a premature stop codon, which is predicted to result in either a truncated protein or degradation of the mRNA via nonsense-mediated decay (NMD). According to the currently available evidence, this variant has been classified as likely pathogenic (PVS1, PM2_P).

Labcorp Genetics (formerly Invitae), Labcorp
Classification: Pathogenic. Last evaluated: 2025-09-02. Review status: criteria provided, single submitter. Criteria: Invitae Variant Classification Sherloc (09022015). Collection method: clinical testing. Allele origin: germline.
Comment: This sequence change creates a premature translational stop signal (p.Tyr360Leufs*12) in the MIPEP gene. It is expected to result in an absent or disrupted protein product. Loss-of-function variants in MIPEP are known to be pathogenic (PMID: 27799064, 34620555). This variant is present in population databases (rs746329051, gnomAD 0.006%). This variant has not been reported in the literature in individuals affected with MIPEP-related conditions. ClinVar contains an entry for this variant (Variation ID: 2973805). For these reasons, this variant has been classified as Pathogenic.

Blueprint Genetics
Classification: Uncertain significance. Last evaluated: 2022-10-04. Review status: criteria provided, single submitter. Criteria: ACMG Guidelines, 2015. Collection method: clinical testing. Allele origin: germline.

Literature cited by the submitters: PubMed 27799064 (cited by Labcorp Genetics (formerly Invitae), Labcorp); PubMed 34620555 (cited by Labcorp Genetics (formerly Invitae), Labcorp).